The following is an entry in ClinVar:

NM_001105528.4(CCDC178):c.2273G>T (p.Arg758Leu)

Gene: CCDC178 (coiled-coil domain containing 178; minus strand). Cytogenetic location: 18q12.1.
Variant type: single nucleotide variant.
Coding change: c.2273G>T on transcript NM_001105528.4 (MANE Select); coding-DNA position 2273, G replaced by T.
Protein change: p.Arg758Leu; replaces arginine 758 with leucine.
Molecular consequence: missense variant.
Genome position (GRCh38, 1-based): chr18:33,092,876, C>A on the plus strand (G>T on the coding strand, the complement: CCDC178 is on the minus strand). VCF-style: chr18-33092876-C-A. GRCh37 (hg19) VCF-style: chr18-30672840-C-A.
Other names: c.2273G>T, p.Arg758Leu (NM_001308126.3, NM_001371120.1, NM_001371121.1); c.2159G>T, p.Arg720Leu (NM_198995.3); short protein forms R720L, R758L.
Identifiers: ClinVar variation 2648634 (VCV002648634.24), dbSNP rs62090751, ClinGen allele CA8932644.

ClinVar aggregate classification (germline): Likely benign (1 of 4 stars; one submission).

Allele frequency attached by ClinVar (database versions not stated): ESP Exome Variant Server 0.00162; 1000 Genomes Project 30x 0.00187.
gnomAD v4.1: 5,132 of 1,568,174 alleles (0.33%); highest among the groups gnomAD compares: Non-Finnish European, 0.35%; 12 homozygotes.

Submission:

CeGaT Center for Human Genetics Tuebingen
Classification: Likely benign. Last evaluated: 2023-01-01. Review status: criteria provided, single submitter. Criteria: CeGaT Center For Human Genetics Tuebingen Variant Classification Criteria Version 2. Collection method: clinical testing. Allele origin: germline. Affected: yes. Observed: 1 variant allele.
Comment: CCDC178: BP4, BS2